The following is an entry in ClinVar:

NM_000384.3(APOB):c.5088A>T (p.Lys1696Asn)

Gene: APOB (apolipoprotein B; minus strand). Cytogenetic location: 2p24.1.
Variant type: single nucleotide variant.
Coding change: c.5088A>T on transcript NM_000384.3 (MANE Select); coding-DNA position 5088, A replaced by T.
Protein change: p.Lys1696Asn; replaces lysine 1696 with asparagine.
Molecular consequence: missense variant.
Genome position (GRCh38, 1-based): chr2:21,011,780, T>A on the plus strand (A>T on the coding strand, the complement: APOB is on the minus strand). VCF-style: chr2-21011780-T-A. GRCh37 (hg19) VCF-style: chr2-21234652-T-A.
Other names: short protein forms K1696N.
Identifiers: ClinVar variation 2052793 (VCV002052793.4), dbSNP rs2465376296, ClinGen allele CA346005495.

ClinVar aggregate classification (germline): Uncertain significance (1 of 4 stars; one submission).

Conditions:
Familial hypobetalipoproteinemia 1. Also called: Hypobetalipoproteinemia, normotriglyceridemic; Acanthocytosis with hypobetalipoproteinemia; APOB-Related Familial Hypobetalipoproteinemia. Identifiers: MedGen C4551990, MONDO:0014252, OMIM 615558.
Hypercholesterolemia, autosomal dominant, type B (FHCL2). Also called: Familial hypercholesterolemia 2; Familial Hypercholesterolemia Type B; APOLIPOPROTEIN B-100, FAMILIAL DEFECTIVE; APOLIPOPROTEIN B-100, FAMILIAL LIGAND-DEFECTIVE; HYPERCHOLESTEROLEMIA, FAMILIAL, DUE TO LIGAND-DEFECTIVE APOLIPOPROTEIN B; Hyperlipoproteinemia Type IIb. Identifiers: MedGen C1704417, MONDO:0007751, OMIM 144010.

Submission:

Labcorp Genetics (formerly Invitae), Labcorp
Classification: Uncertain significance for Familial hypobetalipoproteinemia 1; Hypercholesterolemia, autosomal dominant, type B. Last evaluated: 2023-03-23. Review status: criteria provided, single submitter. Criteria: Invitae Variant Classification Sherloc (09022015). Collection method: clinical testing. Allele origin: germline.
Comment: This sequence change replaces lysine, which is basic and polar, with asparagine, which is neutral and polar, at codon 1696 of the APOB protein (p.Lys1696Asn). This variant is not present in population databases (gnomAD no frequency). This variant has not been reported in the literature in individuals affected with APOB-related conditions. ClinVar contains an entry for this variant (Variation ID: 2052793). Advanced modeling of protein sequence and biophysical properties (such as structural, functional, and spatial information, amino acid conservation, physicochemical variation, residue mobility, and thermodynamic stability) performed at Invitae indicates that this missense variant is not expected to disrupt APOB protein function. In summary, the available evidence is currently insufficient to determine the role of this variant in disease. Therefore, it has been classified as a Variant of Uncertain Significance.